The following is an entry in ClinVar:

ClinVar aggregate classification (germline): Uncertain significance (1 of 4 stars; one submission).

Submission:

Labcorp Genetics (formerly Invitae), Labcorp
Classification: Uncertain significance. Last evaluated: 2024-01-22. Review status: criteria provided, single submitter. Criteria: Invitae Variant Classification Sherloc (09022015). Collection method: clinical testing. Allele origin: germline.
Comment: This sequence change replaces alanine, which is neutral and non-polar, with valine, which is neutral and non-polar, at codon 391 of the KIF11 protein (p.Ala391Val). This variant is present in population databases (no rsID available, gnomAD 0.007%). This variant has not been reported in the literature in individuals affected with KIF11-related conditions. ClinVar contains an entry for this variant (Variation ID: 1992852). Advanced modeling of protein sequence and biophysical properties (such as structural, functional, and spatial information, amino acid conservation, physicochemical variation, residue mobility, and thermodynamic stability) performed at Invitae indicates that this missense variant is not expected to disrupt KIF11 protein function with a negative predictive value of 80%. In summary, the available evidence is currently insufficient to determine the role of this variant in disease. Therefore, it has been classified as a Variant of Uncertain Significance.

NM_004523.4(KIF11):c.1172C>T (p.Ala391Val)

Gene: KIF11 (kinesin family member 11; plus strand). Cytogenetic location: 10q23.33.
Variant type: single nucleotide variant.
Coding change: c.1172C>T on transcript NM_004523.4 (MANE Select); coding-DNA position 1172, C replaced by T.
Protein change: p.Ala391Val; replaces alanine 391 with valine.
Molecular consequence: missense variant.
Genome position (GRCh38, 1-based): chr10:92,621,428, C>T. VCF-style: chr10-92621428-C-T. GRCh37 (hg19) VCF-style: chr10-94381185-C-T.
Other names: short protein forms A391V.
Identifiers: ClinVar variation 1992852 (VCV001992852.4), dbSNP rs1389894896, ClinGen allele CA377591041.